The following is an entry in ClinVar:

ClinVar aggregate classification (germline): Uncertain significance (1 of 4 stars; one submission).

gnomAD v4.1: 2 of 1,614,076 alleles (0.00012%); no homozygotes.

Submission:

Labcorp Genetics (formerly Invitae), Labcorp
Classification: Uncertain significance. Last evaluated: 2023-08-17. Review status: criteria provided, single submitter. Criteria: Invitae Variant Classification Sherloc (09022015). Collection method: clinical testing. Allele origin: germline.
Comment: In summary, the available evidence is currently insufficient to determine the role of this variant in disease. Therefore, it has been classified as a Variant of Uncertain Significance. This sequence change replaces tyrosine, which is neutral and polar, with phenylalanine, which is neutral and non-polar, at codon 1447 of the CACNA1D protein (p.Tyr1447Phe). This variant is not present in population databases (gnomAD no frequency). This variant has not been reported in the literature in individuals affected with CACNA1D-related conditions. Advanced modeling of protein sequence and biophysical properties (such as structural, functional, and spatial information, amino acid conservation, physicochemical variation, residue mobility, and thermodynamic stability) performed at Invitae indicates that this missense variant is not expected to disrupt CACNA1D protein function.

NM_001128840.3(CACNA1D):c.4280A>T (p.Tyr1427Phe)

Gene: CACNA1D (calcium voltage-gated channel subunit alpha1 D; plus strand). Cytogenetic location: 3p21.1.
Variant type: single nucleotide variant.
Coding change: c.4280A>T on transcript NM_001128840.3 (MANE Select); coding-DNA position 4280, A replaced by T.
Protein change: p.Tyr1427Phe; replaces tyrosine 1427 with phenylalanine.
Molecular consequence: missense variant.
Genome position (GRCh38, 1-based): chr3:53,775,963, A>T. VCF-style: chr3-53775963-A-T. GRCh37 (hg19) VCF-style: chr3-53809990-A-T.
Other names: c.4340A>T, p.Tyr1447Phe (NM_000720.4); c.4235A>T, p.Tyr1412Phe (NM_001128839.3); short protein forms Y1427F, Y1447F, Y1412F.
Identifiers: ClinVar variation 2872556 (VCV002872556.3), dbSNP rs2474245649, ClinGen allele CA353241927.